The following is an entry in ClinVar:

NM_002626.6(PFKL):c.1957T>C (p.Cys653Arg)

Gene: PFKL (phosphofructokinase, liver type; plus strand). Cytogenetic location: 21q22.3.
Variant type: single nucleotide variant.
Coding change: c.1957T>C on transcript NM_002626.6 (MANE Select); coding-DNA position 1957, T replaced by C.
Protein change: p.Cys653Arg; replaces cysteine 653 with arginine.
Molecular consequence: missense variant.
Genome position (GRCh38, 1-based): chr21:44,325,232, T>C. VCF-style: chr21-44325232-T-C. GRCh37 (hg19) VCF-style: chr21-45745115-T-C.
Other names: c.2107T>C, p.Cys703Arg (NM_001002021.3); short protein forms C653R, C703R.
Identifiers: ClinVar variation 811844 (VCV000811844.8), dbSNP rs1602058152, ClinGen allele CA410440655.

ClinVar aggregate classification (germline): Uncertain significance (1 of 4 stars; one submission).

Allele frequency attached by ClinVar (database versions not stated): gnomAD exomes 0.00003.
gnomAD v4.1: 35 of 1,612,588 alleles (0.0022%); highest among the groups gnomAD compares: Non-Finnish European, 0.003%; no homozygotes.

Submission:

ARUP Laboratories, Molecular Genetics and Genomics, ARUP Laboratories
Classification: Uncertain significance. Last evaluated: 2018-11-30. Review status: criteria provided, single submitter. Criteria: ARUP Molecular Germline Variant Investigation Process. Collection method: clinical testing. Allele origin: germline.
Comment: The PFKL c.1957T>C; p.Cys653Arg variant, to our knowledge, is not reported in the medical literature or gene specific databases. This variant is also absent from general population databases (1000 Genomes Project, Exome Variant Server, and Genome Aggregation Database), indicating it is not a common polymorphism. The cysteine at codon 653 is moderately conserved and computational analyses (SIFT, PolyPhen-2) predict that this variant is deleterious. However, given the lack of clinical and functional data, the significance of this variant is uncertain at this time.